The following is an entry in ClinVar:

NM_005228.5(EGFR):c.706T>C (p.Cys236Arg)

Gene: EGFR (epidermal growth factor receptor; plus strand). Cytogenetic location: 7p11.2.
Variant type: single nucleotide variant.
Coding change: c.706T>C on transcript NM_005228.5 (MANE Select); coding-DNA position 706, T replaced by C.
Protein change: p.Cys236Arg; replaces cysteine 236 with arginine.
Molecular consequence: missense variant. On other transcripts: intron variant (1).
Genome position (GRCh38, 1-based): chr7:55,152,623, T>C. VCF-style: chr7-55152623-T-C. GRCh37 (hg19) VCF-style: chr7-55220316-T-C.
Other names: c.571T>C, p.Cys191Arg (NM_001346897.2, NM_001346899.2); c.706T>C, p.Cys236Arg (NM_001346898.2, NM_201282.2, NM_201283.2 and 1 more transcripts); c.547T>C, p.Cys183Arg (NM_001346900.2); c.89-3207T>C (NM_001346941.2); short protein forms C236R, C183R, C191R.
Identifiers: ClinVar variation 3658369 (VCV003658369.3).

ClinVar aggregate classification (germline): Uncertain significance. Review status: criteria provided, multiple submitters, no conflicts (2 of 4 stars). 2 submissions from 2 submitters: Uncertain significance (2). Last evaluated 2025-11-17.

Conditions:
Hereditary cancer-predisposing syndrome. Also called: Hereditary Cancer Syndrome; Tumor predisposition; Hereditary neoplastic syndrome; Neoplastic Syndromes, Hereditary. Identifiers: Orphanet 140162, MedGen C0027672, MeSH D009386, MONDO:0015356.
EGFR-related lung cancer (EGFR). Identifiers: MedGen CN130014.

Submissions (2):

Labcorp Genetics (formerly Invitae), Labcorp
Classification: Uncertain significance for EGFR-related lung cancer. Last evaluated: 2025-11-17. Review status: criteria provided, single submitter. Criteria: Invitae Variant Classification Sherloc (09022015). Collection method: clinical testing. Allele origin: germline.
Comment: This sequence change replaces cysteine, which is neutral and slightly polar, with arginine, which is basic and polar, at codon 236 of the EGFR protein (p.Cys236Arg). This variant is not present in population databases (gnomAD no frequency). This variant has not been reported in the literature in individuals affected with EGFR-related conditions. ClinVar contains an entry for this variant (Variation ID: 3658369). Invitae Evidence Modeling of protein sequence and biophysical properties (such as structural, functional, and spatial information, amino acid conservation, physicochemical variation, residue mobility, and thermodynamic stability) indicates that this missense variant is expected to disrupt EGFR protein function with a positive predictive value of 80%. In summary, the available evidence is currently insufficient to determine the role of this variant in disease. Therefore, it has been classified as a Variant of Uncertain Significance.

Ambry Genetics
Classification: Uncertain significance for Hereditary cancer-predisposing syndrome. Last evaluated: 2025-06-21. Review status: criteria provided, single submitter. Criteria: Ambry Variant Classification Scheme 2023. Collection method: clinical testing. Allele origin: germline.
Comment: The p.C236R variant (also known as c.706T>C), located in coding exon 6 of the EGFR gene, results from a T to C substitution at nucleotide position 706. The cysteine at codon 236 is replaced by arginine, an amino acid with highly dissimilar properties. This amino acid position is conserved. In addition, this alteration is predicted to be deleterious by in silico analysis. Based on the available evidence, the clinical significance of this variant remains unclear.